The following is an entry in ClinVar:

ClinVar aggregate classification (germline): Uncertain significance (1 of 4 stars; one submission).

Conditions:
Cardiovascular phenotype. Identifiers: MedGen CN230736.

Submission:

Ambry Genetics
Classification: Uncertain significance for Cardiovascular phenotype. Last evaluated: 2022-07-06. Review status: criteria provided, single submitter. Criteria: Ambry Variant Classification Scheme 2023. Collection method: clinical testing. Allele origin: germline.
Comment: The p.V255G variant (also known as c.764T>G), located in coding exon 6 of the SOS2 gene, results from a T to G substitution at nucleotide position 764. The valine at codon 255 is replaced by glycine, an amino acid with dissimilar properties. This amino acid position is conserved. In addition, this alteration is predicted to be deleterious by in silico analysis. Since supporting evidence is limited at this time, the clinical significance of this alteration remains unclear.

NM_006939.4(SOS2):c.764T>G (p.Val255Gly)

Gene: SOS2 (SOS Ras/Rho guanine nucleotide exchange factor 2; minus strand). Cytogenetic location: 14q21.3.
Variant type: single nucleotide variant.
Coding change: c.764T>G on transcript NM_006939.4 (MANE Select); coding-DNA position 764, T replaced by G.
Protein change: p.Val255Gly; replaces valine 255 with glycine.
Molecular consequence: missense variant.
Genome position (GRCh38, 1-based): chr14:50,182,557, A>C on the plus strand (T>G on the coding strand, the complement: SOS2 is on the minus strand). VCF-style: chr14-50182557-A-C. GRCh37 (hg19) VCF-style: chr14-50649275-A-C.
Other names: c.764T>G, p.Val255Gly (NM_001411020.1); short protein forms V255G.
Identifiers: ClinVar variation 1759981 (VCV001759981.2), dbSNP rs1885778521, ClinGen allele CA389647795.
Genomic context (GRCh38, chr14:50,182,557, plus strand): 5'-GGATGAGGACTGCTTTCATCAGTCATTTCAACTGTGTCTTCAATCAAACCTAAAAGTTTC[A>C]CAGTCAATTCATGTATATCTGAAATGTTACTAAAAATCTTTTCGATATCCTGAAAAAAGA-3'
Protein context (NP_008870.2, residues 245-265): SNISDIHELT[Val255Gly]KLLGLIEDTV